The following is an entry in ClinVar:

ClinVar aggregate classification (germline): Uncertain significance (1 of 4 stars; one submission).

Conditions:
Candidiasis, familial, 8 (CANDF8). Identifiers: Orphanet 1334, MedGen C3714992, MONDO:0014230, OMIM 615527.

gnomAD v4.1: 6 of 1,614,244 alleles (0.00037%); highest among the groups gnomAD compares: Non-Finnish European, 0.00051%; no homozygotes.

Submission:

Labcorp Genetics (formerly Invitae), Labcorp
Classification: Uncertain significance for Candidiasis, familial, 8. Last evaluated: 2025-02-06. Review status: criteria provided, single submitter. Criteria: Invitae Variant Classification Sherloc (09022015). Collection method: clinical testing. Allele origin: germline.
Comment: This sequence change replaces proline, which is neutral and non-polar, with leucine, which is neutral and non-polar, at codon 126 of the TRAF3IP2 protein (p.Pro126Leu). This variant is not present in population databases (gnomAD no frequency). This variant has not been reported in the literature in individuals affected with TRAF3IP2-related conditions. Invitae Evidence Modeling of protein sequence and biophysical properties (such as structural, functional, and spatial information, amino acid conservation, physicochemical variation, residue mobility, and thermodynamic stability) indicates that this missense variant is not expected to disrupt TRAF3IP2 protein function with a negative predictive value of 80%. In summary, the available evidence is currently insufficient to determine the role of this variant in disease. Therefore, it has been classified as a Variant of Uncertain Significance.

NM_147686.4(TRAF3IP2):c.377C>T (p.Pro126Leu)

Genes: TRAF3IP2 (TRAF3 interacting protein 2; minus strand), TRAF3IP2-AS1 (TRAF3IP2 antisense RNA 1; plus strand), LOC114803478 (TRAF3IP2 eExon liver enhancer; plus strand). Cytogenetic location: 6q21.
Variant type: single nucleotide variant.
Coding change: c.377C>T on transcript NM_147686.4 (MANE Select); coding-DNA position 377, C replaced by T.
Protein change: p.Pro126Leu; replaces proline 126 with leucine.
Molecular consequence: missense variant.
Genome position (GRCh38, 1-based): chr6:111,591,710, G>A on the plus strand (C>T on the coding strand, the complement: TRAF3IP2 is on the minus strand). VCF-style: chr6-111591710-G-A. GRCh37 (hg19) VCF-style: chr6-111912913-G-A.
Other names: c.377C>T, p.Pro126Leu (NM_001164281.3); c.404C>T, p.Pro135Leu (NM_147200.3); short protein forms P126L, P135L.
Identifiers: ClinVar variation 4751245 (VCV004751245.1).
Genomic context (GRCh38, chr6:111,591,710, plus strand): 5'-GAAAGCTGAGATACCAGCCATTGATTACGTTTTTCCATAAATGAAAACTGATGCTCTGCA[G>A]GGAGGGCTCCAACCACAGACTCAGACGCAGGCTCGCTGACTGCAGAGCACCCAGAAGGGA-3'
Protein context (NP_679211.2, residues 116-136): PASESVVGAL[Pro126Leu]AEHQFSFMEK